The following is an entry in ClinVar:

ClinVar aggregate classification (germline): Benign/Likely benign. Review status: criteria provided, multiple submitters, no conflicts (2 of 4 stars). 6 submissions from 6 submitters: Benign (3); Likely benign (3). Last evaluated 2026-07-01.

Conditions:
KMT2C-related disorder. Also called: KMT2C-related disorders; KMT2C-related condition.
Kleefstra syndrome 2 (KLEFS2). Identifiers: MedGen C4540395, MONDO:0054701, OMIM 617768.

Allele frequency attached by ClinVar (database versions not stated): 1000 Genomes Project 0.00120; 1000 Genomes Project 30x 0.00141; TOPMed 0.00269; gnomAD 0.00272 and 0.00273; ExAC 0.00293; gnomAD exomes 0.00293; ESP Exome Variant Server 0.00308.
gnomAD v4.1: 5,399 of 1,614,186 alleles (0.33%); highest among the groups gnomAD compares: Admixed American, 0.64%; 13 homozygotes.

Submissions (6):

CeGaT Center for Human Genetics Tuebingen
Classification: Benign. Last evaluated: 2026-07-01. Review status: criteria provided, single submitter. Criteria: CeGaT Center For Human Genetics Tuebingen Variant Classification Criteria Version 2. Collection method: clinical testing. Allele origin: germline. Affected: yes. Observed: 20 variant alleles.
Comment: KMT2C: BP4, BP7, BS1, BS2

Labcorp Genetics (formerly Invitae), Labcorp
Classification: Benign. Last evaluated: 2026-01-05. Review status: criteria provided, single submitter. Criteria: Invitae Variant Classification Sherloc (09022015). Collection method: clinical testing. Allele origin: germline.

PreventionGenetics, part of Exact Sciences
Classification: Likely benign for KMT2C-related condition. Last evaluated: 2025-05-23. Review status: criteria provided, single submitter. Criteria: ACMG Guidelines, 2015. Collection method: clinical testing. Allele origin: germline.
Comment: This variant is classified as likely benign based on ACMG/AMP sequence variant interpretation guidelines (Richards et al. 2015 PMID: 25741868, with internal and published modifications).

Blueprint Genetics
Classification: Likely benign. Last evaluated: 2024-11-12. Review status: criteria provided, single submitter. Criteria: ACMG Guidelines, 2015. Collection method: clinical testing. Allele origin: germline.

Fulgent Genetics
Classification: Likely benign for Kleefstra syndrome 2. Last evaluated: 2021-10-05. Review status: criteria provided, single submitter. Criteria: ACMG Guidelines, 2015. Collection method: clinical testing. Allele origin: unknown.

Breakthrough Genomics
Classification: Benign. Review status: criteria provided, single submitter. Criteria: ACMG Guidelines, 2015. Collection method: not provided. Allele origin: germline. Inheritance: Autosomal dominant inheritance. Affected: yes.

NM_170606.3(KMT2C):c.11139C>T (p.Ala3713=)

Gene: KMT2C (lysine methyltransferase 2C; minus strand). Cytogenetic location: 7q36.1.
Variant type: single nucleotide variant.
Coding change: c.11139C>T on transcript NM_170606.3 (MANE Select); coding-DNA position 11139, C replaced by T.
Protein change: p.Ala3713=; no amino-acid change (alanine 3713 retained).
Molecular consequence: synonymous variant.
Genome position (GRCh38, 1-based): chr7:152,162,438, G>A on the plus strand (C>T on the coding strand, the complement: KMT2C is on the minus strand). VCF-style: chr7-152162438-G-A. GRCh37 (hg19) VCF-style: chr7-151859523-G-A.
Identifiers: ClinVar variation 719178 (VCV000719178.37), dbSNP rs140482040, ClinGen allele CA4579160.